The following is an entry in ClinVar:

NM_000455.5(STK11):c.91T>G (p.Ser31Ala)

Gene: STK11 (serine/threonine kinase 11; plus strand). Cytogenetic location: 19p13.3.
Variant type: single nucleotide variant.
Coding change: c.91T>G on transcript NM_000455.5 (MANE Select); coding-DNA position 91, T replaced by G.
Protein change: p.Ser31Ala; replaces serine 31 with alanine.
Molecular consequence: missense variant.
Genome position (GRCh38, 1-based): chr19:1,207,004, T>G. VCF-style: chr19-1207004-T-G. GRCh37 (hg19) VCF-style: chr19-1207003-T-G.
Other names: c.91T>G, p.Ser31Ala (NM_001407255.1); short protein forms S31A.
Identifiers: ClinVar variation 2046883 (VCV002046883.1), dbSNP rs2512920882, ClinGen allele CA402943676.

ClinVar aggregate classification (germline): Uncertain significance (1 of 4 stars; one submission).

Conditions:
Peutz-Jeghers syndrome (PJS). Also called: POLYPOSIS, HAMARTOMATOUS INTESTINAL; POLYPS-AND-SPOTS SYNDROME; Peutz-Jeghers polyposis; Periorificial lentiginosis syndrome. Identifiers: Orphanet 2869, MedGen C0031269, MeSH D010580, MONDO:0008280, OMIM 175200.

Submission:

Labcorp Genetics (formerly Invitae), Labcorp
Classification: Uncertain significance for Peutz-Jeghers syndrome. Last evaluated: 2022-03-18. Review status: criteria provided, single submitter. Criteria: Invitae Variant Classification Sherloc (09022015). Collection method: clinical testing. Allele origin: germline.
Comment: This sequence change replaces serine, which is neutral and polar, with alanine, which is neutral and non-polar, at codon 31 of the STK11 protein (p.Ser31Ala). This variant is not present in population databases (gnomAD no frequency). This variant has not been reported in the literature in individuals affected with STK11-related conditions. Advanced modeling of protein sequence and biophysical properties (such as structural, functional, and spatial information, amino acid conservation, physicochemical variation, residue mobility, and thermodynamic stability) performed at Invitae indicates that this missense variant is expected to disrupt STK11 protein function. In summary, the available evidence is currently insufficient to determine the role of this variant in disease. Therefore, it has been classified as a Variant of Uncertain Significance.